The following is an entry in ClinVar:

NM_001321142.2(CIDEC):c.610_611del (p.Gly204fs)

Gene: CIDEC (cell death inducing DFFA like effector c; minus strand). Cytogenetic location: 3p25.3.
Variant type: Deletion.
Coding change: c.610_611del on transcript NM_001321142.2 (MANE Select); coding-DNA positions 610 to 611, 2 bases deleted (GG; older notation c.610_611delGG).
Protein change: p.Gly204fs; shifts the reading frame from glycine 204.
Molecular consequence: frameshift variant.
Genome position (GRCh38, 1-based): chr3:9,867,240-9,867,241, CC deleted on the plus strand (GG on the coding strand, the reverse complement: CIDEC is on the minus strand). VCF-style (leftmost placement, unchanged base first): chr3-9867239-GCC-G. GRCh37 (hg19) VCF-style: chr3-9908923-GCC-G.
Other names: c.610_611delGG (NM_022094.3); c.640_641del, p.Gly214fs (NM_001199551.2); c.610_611del, p.Gly204fs (NM_001199552.2, NM_001378491.1, NM_022094.3); c.649_650del, p.Gly217fs (NM_001199623.2); c.388_389del, p.Gly130fs (NM_001321143.2, NM_001321144.2); short protein forms G130fs, G204fs, G214fs, G217fs.
Identifiers: ClinVar variation 4845911 (VCV004845911.1).

ClinVar aggregate classification (germline): Likely pathogenic (1 of 4 stars; one submission).

Conditions:
CIDEC-related familial partial lipodystrophy. Also called: LIPODYSTROPHY, FAMILIAL PARTIAL, ASSOCIATED WITH CIDEC MUTATIONS; Familial partial lipodystrophy 5. Identifiers: Orphanet 435651, MedGen C3808940, MONDO:0014098, OMIM 615238.

Submission:

First Genomix Gene Laboratory, Genetic Diagnostics Department
Classification: Likely pathogenic for CIDEC-related familial partial lipodystrophy. Last evaluated: 2025-04-30. Review status: criteria provided, single submitter. Criteria: ACMG Guidelines, 2015. Collection method: clinical testing. Allele origin: germline. Inheritance: Autosomal recessive inheritance. Affected: no. Observed: 1 variant allele.